The following is an entry in ClinVar:

ClinVar aggregate classification (germline): Uncertain significance (1 of 4 stars; one submission).

Allele frequency attached by ClinVar (database versions not stated): gnomAD exomes below 0.00001; ExAC 0.00001; TOPMed 0.00001.
gnomAD v4.1: 3 of 1,612,814 alleles (0.00019%); highest among the groups gnomAD compares: African/African-American, 0.0027%; no homozygotes.

Submission:

Labcorp Genetics (formerly Invitae), Labcorp
Classification: Uncertain significance. Last evaluated: 2022-07-11. Review status: criteria provided, single submitter. Criteria: Invitae Variant Classification Sherloc (09022015). Collection method: clinical testing. Allele origin: germline.
Comment: This sequence change replaces glycine, which is neutral and non-polar, with arginine, which is basic and polar, at codon 332 of the COL9A1 protein (p.Gly332Arg). This variant is present in population databases (rs760731478, gnomAD 0.007%). This variant has not been reported in the literature in individuals affected with COL9A1-related conditions. Advanced modeling of protein sequence and biophysical properties (such as structural, functional, and spatial information, amino acid conservation, physicochemical variation, residue mobility, and thermodynamic stability) performed at Invitae indicates that this missense variant is expected to disrupt COL9A1 protein function. Algorithms developed to predict the effect of sequence changes on RNA splicing suggest that this variant may disrupt the consensus splice site. In summary, the available evidence is currently insufficient to determine the role of this variant in disease. Therefore, it has been classified as a Variant of Uncertain Significance.

NM_001851.6(COL9A1):c.994G>A (p.Gly332Arg)

Gene: COL9A1 (collagen type IX alpha 1 chain; minus strand). Cytogenetic location: 6q13.
Variant type: single nucleotide variant.
Coding change: c.994G>A on transcript NM_001851.6 (MANE Select); coding-DNA position 994, G replaced by A.
Protein change: p.Gly332Arg; replaces glycine 332 with arginine.
Molecular consequence: missense variant. On other transcripts: non-coding transcript variant (1).
Genome position (GRCh38, 1-based): chr6:70,274,754, C>T on the plus strand (G>A on the coding strand, the complement: COL9A1 is on the minus strand). VCF-style: chr6-70274754-C-T. GRCh37 (hg19) VCF-style: chr6-70984457-C-T.
Other names: c.265G>A, p.Gly89Arg (NM_001377289.1, NM_001377290.1, NM_078485.4); short protein forms G332R, G89R.
Identifiers: ClinVar variation 2134074 (VCV002134074.1), dbSNP rs760731478, ClinGen allele CA3882514.